The following is an entry in ClinVar:

ClinVar aggregate classification (germline): Uncertain significance (1 of 4 stars; one submission).

Allele frequency attached by ClinVar (database versions not stated): TOPMed below 0.00001.
gnomAD v4.1: 17 of 1,614,086 alleles (0.0011%); highest among the groups gnomAD compares: Non-Finnish European, 0.0013%; no homozygotes.

Submission:

Labcorp Genetics (formerly Invitae), Labcorp
Classification: Uncertain significance. Last evaluated: 2025-10-14. Review status: criteria provided, single submitter. Criteria: Invitae Variant Classification Sherloc (09022015). Collection method: clinical testing. Allele origin: germline.
Comment: This sequence change replaces proline, which is neutral and non-polar, with serine, which is neutral and polar, at codon 62 of the MCM4 protein (p.Pro62Ser). This variant is present in population databases (no rsID available, gnomAD 0.002%). This variant has not been reported in the literature in individuals affected with MCM4-related conditions. ClinVar contains an entry for this variant (Variation ID: 1410630). An algorithm developed to predict the effect of missense changes on protein structure and function outputs the following: PolyPhen-2: "Benign". The serine amino acid residue is found in multiple mammalian species, which suggests that this missense change does not adversely affect protein function. In summary, the available evidence is currently insufficient to determine the role of this variant in disease. Therefore, it has been classified as a Variant of Uncertain Significance.

NM_182746.3(MCM4):c.184C>T (p.Pro62Ser)

Gene: MCM4 (minichromosome maintenance complex component 4; plus strand). Cytogenetic location: 8q11.21.
Variant type: single nucleotide variant.
Coding change: c.184C>T on transcript NM_182746.3 (MANE Select); coding-DNA position 184, C replaced by T.
Protein change: p.Pro62Ser; replaces proline 62 with serine.
Molecular consequence: missense variant.
Genome position (GRCh38, 1-based): chr8:47,961,629, C>T. VCF-style: chr8-47961629-C-T. GRCh37 (hg19) VCF-style: chr8-48874189-C-T.
Other names: c.184C>T, p.Pro62Ser (NM_005914.4); short protein forms P62S.
Identifiers: ClinVar variation 1410630 (VCV001410630.5), dbSNP rs1034067956, ClinGen allele CA176154590.